The following is an entry in ClinVar:

NM_001005373.4(LRSAM1):c.1699-16C>T

Gene: LRSAM1 (leucine rich repeat and sterile alpha motif containing 1; plus strand). Cytogenetic location: 9q33.3.
Variant type: single nucleotide variant.
Coding change: c.1699-16C>T on transcript NM_001005373.4 (MANE Select); 16 bases into the intron before coding-DNA position 1699, C replaced by T.
Molecular consequence: intron variant.
Genome position (GRCh38, 1-based): chr9:127,495,948, C>T. VCF-style: chr9-127495948-C-T. GRCh37 (hg19) VCF-style: chr9-130258227-C-T.
Other names: c.1699-16C>T (NM_138361.5, NM_001384142.1, NM_001005374.4); c.1600-16C>T (NM_001384143.1); c.1618-16C>T (NM_001190723.3); c.910-16C>T (NM_001384144.1).
Identifiers: ClinVar variation 391108 (VCV000391108.8), dbSNP rs201702419, ClinGen allele CA5247105.
Genomic context (GRCh38, chr9:127,495,948, plus strand): 5'-AAACCCTTCATTTCCTGTTGTAAACAGTGGGTTCTTTTCTTCCTTCCTGCTCATGGTACA[C>T]GTTTCTGTCTTGCAGGAAGAGGGGATGGAGCGCCAGCTGGTGGCCCTCCTGGAGGAGCTG-3'

ClinVar aggregate classification (germline): Likely benign. Review status: criteria provided, multiple submitters, no conflicts (2 of 4 stars). 2 submissions from 2 submitters: Likely benign (2). Last evaluated 2026-02-03.

Conditions:
Charcot-Marie-Tooth disease axonal type 2P. Also called: CHARCOT-MARIE-TOOTH NEUROPATHY, TYPE 2P; Charcot-Marie-Tooth Neuropathy Type 2G; CHARCOT-MARIE-TOOTH DISEASE, AXONAL, TYPE 2G; CMT 2G. Identifiers: Orphanet 300319, Orphanet 99941, MedGen C3280797, MONDO:0013753, OMIM 614436.

Allele frequency attached by ClinVar (database versions not stated): gnomAD exomes 0.00009 and 0.00014; gnomAD 0.00010 and 0.00011; TOPMed 0.00011; ESP Exome Variant Server 0.00015; ExAC 0.00017.
gnomAD v4.1: 159 of 1,611,902 alleles (0.0099%); highest among the groups gnomAD compares: Middle Eastern, 0.049%; 1 homozygote.

Submissions (2):

Labcorp Genetics (formerly Invitae), Labcorp
Classification: Likely benign for Charcot-Marie-Tooth disease axonal type 2P. Last evaluated: 2026-02-03. Review status: criteria provided, single submitter. Criteria: Invitae Variant Classification Sherloc (09022015). Collection method: clinical testing. Allele origin: germline.

GeneDx
Classification: Likely benign. Last evaluated: 2016-11-23. Review status: criteria provided, single submitter. Criteria: GeneDx Variant Classification (06012015). Collection method: clinical testing. Allele origin: germline. Affected: yes.
Comment: This variant is considered likely benign or benign based on one or more of the following criteria: it is a conservative change, it occurs at a poorly conserved position in the protein, it is predicted to be benign by multiple in silico algorithms, and/or has population frequency not consistent with disease.